The following is an entry in ClinVar:

NM_000760.4(CSF3R):c.1704C>T (p.Asn568=)

Gene: CSF3R (colony stimulating factor 3 receptor; minus strand). Cytogenetic location: 1p34.3.
Variant type: single nucleotide variant.
Coding change: c.1704C>T on transcript NM_000760.4 (MANE Select); coding-DNA position 1704, C replaced by T.
Protein change: p.Asn568=; no amino-acid change (asparagine 568 retained).
Molecular consequence: synonymous variant.
Genome position (GRCh38, 1-based): chr1:36,468,094, G>A on the plus strand (C>T on the coding strand, the complement: CSF3R is on the minus strand). VCF-style: chr1-36468094-G-A. GRCh37 (hg19) VCF-style: chr1-36933695-G-A.
Other names: c.1704C>T, p.Asn568= (NM_156039.3, NM_172313.3); c.1704C>T (NM_000760.3).
Identifiers: ClinVar variation 1532741 (VCV001532741.11), dbSNP rs373727880, ClinGen allele CA769112.
Genomic context (GRCh38, chr1:36,468,094, plus strand): 5'-CAGGCCTTCTGGGGCTGTGGGGGAACTGAGGATAGACTCACAGAAGGACTGGTTCTGAGC[G>A]TTGGTCCAGAAGATGGTGTAGTGGGTAAGGGGGCTCTTCCCCAGCTCAGGGGGCTCAGGC-3'
Protein context (NP_000751.1, residues 558-578): PLTHYTIFWT[Asn568=]AQNQSFSAIL

ClinVar aggregate classification (germline): Likely benign. Review status: criteria provided, multiple submitters, no conflicts (2 of 4 stars). 3 submissions from 3 submitters: Likely benign (2). 1 of the submissions does not count toward it. Last evaluated 2026-01-23.

Conditions:
CSF3R-related disorder. Also called: CSF3R-related condition.
Autosomal recessive severe congenital neutropenia due to CSF3R deficiency. Also called: Neutropenia, severe congenital, 7, autosomal recessive. Identifiers: Orphanet 420702, MedGen C4310764, MONDO:0014865, OMIM 617014.

Allele frequency attached by ClinVar (database versions not stated): TOPMed 0.00005; gnomAD exomes 0.00007; ESP Exome Variant Server 0.00008; ExAC 0.00009; gnomAD 0.00012; 1000 Genomes Project 0.00020; 1000 Genomes Project 30x 0.00031.
gnomAD v4.1: 59 of 1,614,248 alleles (0.0037%); highest among the groups gnomAD compares: East Asian, 0.04%; no homozygotes.

Submissions (3):

Women's Health and Genetics/Laboratory Corporation of America, LabCorp
Classification: Likely benign. Last evaluated: 2026-01-23. Review status: criteria provided, single submitter. Criteria: LabCorp Variant Classification Summary - May 2015. Collection method: clinical testing. Allele origin: germline.

Labcorp Genetics (formerly Invitae), Labcorp
Classification: Likely benign for Autosomal recessive severe congenital neutropenia due to CSF3R deficiency. Last evaluated: 2025-01-02. Review status: criteria provided, single submitter. Criteria: Invitae Variant Classification Sherloc (09022015). Collection method: clinical testing. Allele origin: germline.

PreventionGenetics, part of Exact Sciences
Classification: Likely benign for CSF3R-related condition. Last evaluated: 2021-09-02. Review status: no assertion criteria provided. Collection method: clinical testing. Allele origin: germline. Not counted in ClinVar's aggregate classification.
Comment: This variant is classified as likely benign based on ACMG/AMP sequence variant interpretation guidelines (Richards et al. 2015 PMID: 25741868, with internal and published modifications).